The following is an entry in ClinVar:

ClinVar aggregate classification (germline): Uncertain significance (1 of 4 stars; one submission).

Conditions:
Dilated cardiomyopathy 1J (CMD1J). Also called: CARDIOMYOPATHY, DILATED, WITH SENSORINEURAL HEARING LOSS, AUTOSOMAL DOMINANT. Identifiers: Orphanet 217622, MedGen C1854368, MONDO:0011541, OMIM 605362.

Submission:

Labcorp Genetics (formerly Invitae), Labcorp
Classification: Uncertain significance for Dilated cardiomyopathy 1J. Last evaluated: 2020-08-06. Review status: criteria provided, single submitter. Criteria: Invitae Variant Classification Sherloc (09022015). Collection method: clinical testing. Allele origin: germline.
Comment: Algorithms developed to predict the effect of missense changes on protein structure and function are either unavailable or do not agree on the potential impact of this missense change (SIFT: "Tolerated"; PolyPhen-2: "Possibly Damaging"; Align-GVGD: "Class C0"). This sequence change replaces threonine with isoleucine at codon 74 of the EYA4 protein (p.Thr74Ile). The threonine residue is weakly conserved and there is a moderate physicochemical difference between threonine and isoleucine. This variant is not present in population databases (ExAC no frequency). This variant has not been reported in the literature in individuals with EYA4-related conditions. In summary, the available evidence is currently insufficient to determine the role of this variant in disease. Therefore, it has been classified as a Variant of Uncertain Significance.

NM_004100.5(EYA4):c.221C>T (p.Thr74Ile)

Gene: EYA4 (EYA transcriptional coactivator and phosphatase 4; plus strand). Cytogenetic location: 6q23.2.
Variant type: single nucleotide variant.
Coding change: c.221C>T on transcript NM_004100.5 (MANE Select); coding-DNA position 221, C replaced by T.
Protein change: p.Thr74Ile; replaces threonine 74 with isoleucine.
Molecular consequence: missense variant. On other transcripts: intron variant (4).
Genome position (GRCh38, 1-based): chr6:133,448,123, C>T. VCF-style: chr6-133448123-C-T. GRCh37 (hg19) VCF-style: chr6-133769261-C-T.
Other names: c.221C>T, p.Thr74Ile (NM_001301013.2, NM_172105.4); c.208+1369C>T (NM_001370458.1, NM_172103.4, NM_001370459.1 and 1 more transcripts); short protein forms T74I.
Identifiers: ClinVar variation 1051840 (VCV001051840.9), dbSNP rs2128625983, ClinGen allele CA365838207.